The following is an entry in ClinVar:

ClinVar aggregate classification (germline): Uncertain significance (1 of 4 stars; one submission).

Submission:

Labcorp Genetics (formerly Invitae), Labcorp
Classification: Uncertain significance. Last evaluated: 2024-12-05. Review status: criteria provided, single submitter. Criteria: Invitae Variant Classification Sherloc (09022015). Collection method: clinical testing. Allele origin: germline.
Comment: This sequence change replaces glutamic acid, which is acidic and polar, with valine, which is neutral and non-polar, at codon 451 of the ANLN protein (p.Glu451Val). This variant is not present in population databases (gnomAD no frequency). This variant has not been reported in the literature in individuals affected with ANLN-related conditions. Invitae Evidence Modeling of protein sequence and biophysical properties (such as structural, functional, and spatial information, amino acid conservation, physicochemical variation, residue mobility, and thermodynamic stability) indicates that this missense variant is not expected to disrupt ANLN protein function with a negative predictive value of 80%. In summary, the available evidence is currently insufficient to determine the role of this variant in disease. Therefore, it has been classified as a Variant of Uncertain Significance.

NM_018685.5(ANLN):c.1352A>T (p.Glu451Val)

Gene: ANLN (anillin, actin binding protein; plus strand). Cytogenetic location: 7p14.2.
Variant type: single nucleotide variant.
Coding change: c.1352A>T on transcript NM_018685.5 (MANE Select); coding-DNA position 1352, A replaced by T.
Protein change: p.Glu451Val; replaces glutamic acid 451 with valine.
Molecular consequence: missense variant.
Genome position (GRCh38, 1-based): chr7:36,411,123, A>T. VCF-style: chr7-36411123-A-T. GRCh37 (hg19) VCF-style: chr7-36450732-A-T.
Other names: c.1352A>T, p.Glu451Val (NM_001284301.3, NM_001284302.3); short protein forms E451V.
Identifiers: ClinVar variation 3723329 (VCV003723329.2).